The following is an entry in ClinVar:

ClinVar aggregate classification (germline): Uncertain significance (1 of 4 stars; one submission).

Conditions:
Glycogen storage disease IXd (GSD9D). Also called: Muscle Phosphorylase Kinase Deficiency; GSD IXd. Identifiers: Orphanet 715, MedGen C1845151, MONDO:0010362, OMIM 300559.

Submission:

Labcorp Genetics (formerly Invitae), Labcorp
Classification: Uncertain significance for Glycogen storage disease IXd. Last evaluated: 2021-05-17. Review status: criteria provided, single submitter. Criteria: Invitae Variant Classification Sherloc (09022015). Collection method: clinical testing. Allele origin: germline.
Comment: This variant has not been reported in the literature in individuals with PHKA1-related conditions. Algorithms developed to predict the effect of missense changes on protein structure and function are either unavailable or do not agree on the potential impact of this missense change (SIFT: "Deleterious"; PolyPhen-2: "Benign"; Align-GVGD: "Class C0"). In summary, the available evidence is currently insufficient to determine the role of this variant in disease. Therefore, it has been classified as a Variant of Uncertain Significance. This sequence change replaces isoleucine with valine at codon 165 of the PHKA1 protein (p.Ile165Val). The isoleucine residue is highly conserved and there is a small physicochemical difference between isoleucine and valine. This variant is not present in population databases (ExAC no frequency).

NM_002637.4(PHKA1):c.493A>G (p.Ile165Val)

Gene: PHKA1 (phosphorylase kinase regulatory subunit alpha 1; minus strand). Cytogenetic location: Xq13.1.
Variant type: single nucleotide variant.
Coding change: c.493A>G on transcript NM_002637.4 (MANE Select); coding-DNA position 493, A replaced by G.
Protein change: p.Ile165Val; replaces isoleucine 165 with valine.
Molecular consequence: missense variant.
Genome position (GRCh38, 1-based): chrX:72,684,542, T>C on the plus strand (A>G on the coding strand, the complement: PHKA1 is on the minus strand). VCF-style: chrX-72684542-T-C. GRCh37 (hg19) VCF-style: chrX-71904392-T-C.
Other names: c.493A>G, p.Ile165Val (NM_001122670.2, NM_001172436.2); short protein forms I165V.
Identifiers: ClinVar variation 1465021 (VCV001465021.8), dbSNP rs2053946596, ClinGen allele CA413638702.